The following is an entry in ClinVar:

NM_004656.4(BAP1):c.2119G>A (p.Gly707Ser)

Gene: BAP1 (BRCA1 associated deubiquitinase 1; minus strand). Cytogenetic location: 3p21.1.
Variant type: single nucleotide variant.
Coding change: c.2119G>A on transcript NM_004656.4 (MANE Select); coding-DNA position 2119, G replaced by A.
Protein change: p.Gly707Ser; replaces glycine 707 with serine.
Molecular consequence: missense variant.
Genome position (GRCh38, 1-based): chr3:52,402,359, C>T on the plus strand (G>A on the coding strand, the complement: BAP1 is on the minus strand). VCF-style: chr3-52402359-C-T. GRCh37 (hg19) VCF-style: chr3-52436375-C-T.
Other names: short protein forms G707S.
Identifiers: ClinVar variation 820655 (VCV000820655.4), dbSNP rs1294983956, ClinGen allele CA353094269.
Genomic context (GRCh38, chr3:52,402,359, plus strand): 5'-TGGCCTTGTAGGGGCGAGAGCGTTTCCGCCGGTCAGGCTTCCGCTGCTTGTGGAGCCGGC[C>T]GATGCTGACCCCTTGGCGCCGCCGCACGGAGATGTTCTGCTCCACTAGGTTGGCCAGCAT-3'
Protein context (NP_004647.1, residues 697-717): SVRRRQGVSI[Gly707Ser]RLHKQRKPDR

ClinVar aggregate classification (germline): Uncertain significance (1 of 4 stars; one submission).

Conditions:
Hereditary cancer-predisposing syndrome. Also called: Neoplastic Syndromes, Hereditary; Tumor predisposition; Hereditary Cancer Syndrome; Hereditary neoplastic syndrome. Identifiers: Orphanet 140162, MedGen C0027672, MeSH D009386, MONDO:0015356.

Allele frequency attached by ClinVar (database versions not stated): gnomAD exomes 0.00001.

Submission:

Ambry Genetics
Classification: Uncertain significance for Hereditary cancer-predisposing syndrome. Last evaluated: 2019-07-03. Review status: criteria provided, single submitter. Criteria: Ambry Variant Classification Scheme 2023. Collection method: clinical testing. Allele origin: germline.
Comment: The p.G707S variant (also known as c.2119G>A), located in coding exon 17 of the BAP1 gene, results from a G to A substitution at nucleotide position 2119. The glycine at codon 707 is replaced by serine, an amino acid with similar properties. This amino acid position is highly conserved in available vertebrate species. In addition, this alteration is predicted to be tolerated by in silico analysis. Since supporting evidence is limited at this time, the clinical significance of this alteration remains unclear.